The following is an entry in ClinVar:

ClinVar aggregate classification (germline): Uncertain significance (1 of 4 stars; one submission).

Allele frequency attached by ClinVar (database versions not stated): gnomAD exomes below 0.00001; TOPMed below 0.00001.
gnomAD v4.1: 1 of 1,614,084 alleles (0.000062%); highest among the groups gnomAD compares: Non-Finnish European, 0.000085%; no homozygotes.

Submission:

GeneDx
Classification: Uncertain significance. Last evaluated: 2023-04-17. Review status: criteria provided, single submitter. Criteria: GeneDx Variant Classification Process June 2021. Collection method: clinical testing. Allele origin: germline. Affected: yes.
Comment: Not observed at significant frequency in large population cohorts (gnomAD); Has not been previously published as pathogenic or benign to our knowledge; Nonsense variant predicted to result in protein truncation as the last 66 amino acids are lost in a gene for which loss-of-function is not a known mechanism of disease

NM_001394062.1(MACF1):c.22468C>T (p.Arg7490Ter)

Gene: MACF1 (microtubule actin crosslinking factor 1; plus strand). Cytogenetic location: 1p34.3.
Variant type: single nucleotide variant.
Coding change: c.22468C>T on transcript NM_001394062.1 (MANE Select); coding-DNA position 22468, C replaced by T.
Protein change: p.Arg7490Ter; replaces arginine 7490 with a stop codon.
Molecular consequence: nonsense.
Genome position (GRCh38, 1-based): chr1:39,485,594, C>T. VCF-style: chr1-39485594-C-T. GRCh37 (hg19) VCF-style: chr1-39951266-C-T.
Other names: c.16093C>T, p.Arg5365Ter (NM_012090.5); short protein forms R5365*, R7490*.
Identifiers: ClinVar variation 1676891 (VCV001676891.3), dbSNP rs1645091381, ClinGen allele CA339788045.